The following is an entry in ClinVar:

ClinVar aggregate classification (germline): Conflicting classifications of pathogenicity. Review status: criteria provided, conflicting classifications (1 of 4 stars). 7 submissions from 6 submitters: Uncertain significance (3); Benign (3). 1 of the submissions does not count toward it. Last evaluated 2026-01-28.

Conditions:
MITF-related disorder. Also called: MITF-related condition.
Tietz syndrome (TADS). Also called: TIETZ ALBINISM-DEAFNESS SYNDROME; HYPOPIGMENTATION/DEAFNESS OF TIETZ; ALBINISM-DEAFNESS OF TIETZ. Identifiers: Orphanet 42665, MedGen C0391816, MONDO:0007077, OMIM 103500.
Waardenburg syndrome type 2A (WS2A). Also called: WAARDENBURG SYNDROME WITHOUT DYSTOPIA CANTHORUM. Identifiers: Orphanet 3440, MedGen C1860339, MONDO:0008671, OMIM 193510.
Melanoma, cutaneous malignant, susceptibility to, 8. Also called: Cutaneous malignant melanoma 8; MELANOMA AND RENAL CELL CARCINOMA, SUSCEPTIBILITY TO. Identifiers: Orphanet 293822, MedGen C3152204, MONDO:0013759, OMIM 614456.
Hereditary cancer-predisposing syndrome. Also called: Hereditary Cancer Syndrome; Tumor predisposition; Neoplastic Syndromes, Hereditary; Hereditary neoplastic syndrome. Identifiers: Orphanet 140162, MedGen C0027672, MeSH D009386, MONDO:0015356.

Allele frequency attached by ClinVar (database versions not stated): gnomAD below 0.00001 and 0.00011; TOPMed 0.00003; gnomAD exomes 0.00020 and 0.00041; ExAC 0.00045; 1000 Genomes Project 0.00060; 1000 Genomes Project 30x 0.00078.
gnomAD v4.1: 313 of 1,613,704 alleles (0.019%); highest among the groups gnomAD compares: South Asian, 0.32%; 2 homozygotes.

Submissions (7):

Labcorp Genetics (formerly Invitae), Labcorp
Classification: Benign for Melanoma, cutaneous malignant, susceptibility to, 8; Waardenburg syndrome type 2A; Tietz syndrome. Last evaluated: 2026-01-28. Review status: criteria provided, single submitter. Criteria: Invitae Variant Classification Sherloc (09022015). Collection method: clinical testing. Allele origin: germline.

Revvity Omics, Revvity
Classification: Uncertain significance. Last evaluated: 2025-05-07. Review status: criteria provided, single submitter. Criteria: ACMG Guidelines, 2015. Collection method: clinical testing. Allele origin: germline.

Ambry Genetics
Classification: Uncertain significance for Hereditary cancer-predisposing syndrome. Last evaluated: 2024-12-04. Review status: criteria provided, single submitter. Criteria: Ambry Variant Classification Scheme 2023. Collection method: clinical testing. Allele origin: germline.
Comment: The p.G399E variant (also known as c.1196G>A), located in coding exon 9 of the MITF gene, results from a G to A substitution at nucleotide position 1196. The glycine at codon 399 is replaced by glutamic acid, an amino acid with similar properties. This amino acid position is conserved. In addition, this alteration is predicted to be tolerated by in silico analysis. Based on the available evidence, the clinical significance of this variant remains unclear.

Blueprint Genetics
Classification: Uncertain significance. Last evaluated: 2024-03-20. Review status: criteria provided, single submitter. Criteria: ACMG Guidelines, 2015. Collection method: clinical testing. Allele origin: germline.

Illumina Laboratory Services, Illumina
Classification: Benign for Tietz syndrome. Last evaluated: 2018-01-13. Review status: criteria provided, single submitter. Criteria: ICSL Variant Classification Criteria 13 December 2019. Collection method: clinical testing. Allele origin: germline.
Comment: This variant was observed in the ICSL laboratory as part of a predisposition screen in an ostensibly healthy population. It had not been previously curated by ICSL or reported in the Human Gene Mutation Database (HGMD: prior to June 1st, 2018), and was therefore a candidate for classification through an automated scoring system. Utilizing variant allele frequency, disease prevalence and penetrance estimates, and inheritance mode, an automated score was calculated to assess if this variant is too frequent to cause the disease. Based on the score and internal cut-off values, a variant classified as benign is not then subjected to further curation. The score for this variant resulted in a classification of benign for this disease.

Illumina Laboratory Services, Illumina
Classification: Benign for Waardenburg syndrome type 2A. Last evaluated: 2018-01-13. Review status: criteria provided, single submitter. Criteria: ICSL Variant Classification Criteria 13 December 2019. Collection method: clinical testing. Allele origin: germline.
Comment: the same text as in the submission from Illumina Laboratory Services, Illumina above.

PreventionGenetics, part of Exact Sciences
Classification: Likely benign for MITF-related condition. Last evaluated: 2022-03-02. Review status: no assertion criteria provided. Collection method: clinical testing. Allele origin: germline. Not counted in ClinVar's aggregate classification.
Comment: This variant is classified as likely benign based on ACMG/AMP sequence variant interpretation guidelines (Richards et al. 2015 PMID: 25741868, with internal and published modifications).

NM_001354604.2(MITF):c.1517G>A (p.Gly506Glu)

Gene: MITF (melanocyte inducing transcription factor; plus strand). Cytogenetic location: 3p13.
Variant type: single nucleotide variant.
Coding change: c.1517G>A on transcript NM_001354604.2 (MANE Select); coding-DNA position 1517, G replaced by A.
Protein change: p.Gly506Glu; replaces glycine 506 with glutamic acid.
Molecular consequence: missense variant.
Genome position (GRCh38, 1-based): chr3:69,965,184, G>A. VCF-style: chr3-69965184-G-A. GRCh37 (hg19) VCF-style: chr3-70014335-G-A.
Other names: c.1196G>A, p.Gly399Glu (NM_000248.4); c.1343G>A, p.Gly448Glu (NM_001184967.2, NM_001354608.2); c.1514G>A, p.Gly505Glu (NM_001354605.2); c.1496G>A, p.Gly499Glu (NM_001354606.2, NM_006722.3); c.1448G>A, p.Gly483Glu (NM_001354607.2); c.1178G>A, p.Gly393Glu (NM_198158.3); c.1499G>A, p.Gly500Glu (NM_198159.3); c.1451G>A, p.Gly484Glu (NM_198177.3); and 1 more; short protein forms G337E, G483E, G500E, G399E, G448E, G499E, G505E, G506E.
Identifiers: ClinVar variation 900478 (VCV000900478.14), dbSNP rs548265796, ClinGen allele CA2490692.